The following is an entry in ClinVar:

ClinVar aggregate classification (germline): Likely pathogenic. Review status: criteria provided, multiple submitters, no conflicts (2 of 4 stars). 3 submissions from 3 submitters: Likely pathogenic (3). Last evaluated 2025-03-25.

Conditions:
Developmental and epileptic encephalopathy, 1 (DEE1). Also called: X-linked infantile spasms; West's syndrome; Tonic spasms with clustering, arrest of psychomotor development and hypsarrhythmia on EEG; X-Linked Infantile Spasm Syndrome; OHTAHARA SYNDROME, X-LINKED; INFANTILE SPASM SYNDROME, X-LINKED 1. Identifiers: MedGen C3463992, MONDO:0010632, OMIM 308350. Disease mechanism: loss of function.
Autosomal dominant nonsyndromic hearing loss 65. Also called: TBC1D24-Related Autosomal Dominant Nonsyndromic Hearing Loss (DFNA); Deafness, autosomal dominant 65. Identifiers: Orphanet 90635, MedGen C3892048, MONDO:0014470, OMIM 616044.
TBC1D24-related disorder. Also called: TBC1D24-related condition; TBC1D24-related disorders. Identifiers: MedGen CN381194.

Allele frequency attached by ClinVar (database versions not stated): gnomAD exomes below 0.00001.
gnomAD v4.1: 1 of 1,611,594 alleles (0.000062%); highest among the groups gnomAD compares: East Asian, 0.0022%; no homozygotes.

Submissions (3):

GeneDx
Classification: Likely pathogenic. Last evaluated: 2025-03-25. Review status: criteria provided, single submitter. Criteria: GeneDx Variant Classification Process June 2021. Collection method: clinical testing. Allele origin: germline. Affected: yes.
Comment: Not observed at significant frequency in large population cohorts (gnomAD); In silico analysis indicates that this missense variant does not alter protein structure/function; This variant is associated with the following publications: (PMID: 31257224, 27502353, 35350397)

Women's Health and Genetics/Laboratory Corporation of America, LabCorp
Classification: Likely pathogenic for TBC1D24-Related Disorders. Last evaluated: 2024-02-20. Review status: criteria provided, single submitter. Criteria: LabCorp Variant Classification Summary - May 2015. Collection method: clinical testing. Allele origin: germline.
Comment: Variant summary: TBC1D24 c.321T>A (p.Asn107Lys) results in a non-conservative amino acid change located in the Rab-GAP-TBC domain (IPR000195) of the encoded protein sequence. Four of five in-silico tools predict a benign effect of the variant on protein function. The variant was absent in 246174 control chromosomes. c.321T>A has been reported in trans along with a pathogenic nonsense variant in the literature in at-least two unrelated Navajo individuals affected with TBC1D24-Related Disorders (Appavu_2016). These data indicate that the variant may be associated with disease. To our knowledge, no experimental evidence demonstrating an impact on protein function has been reported. The following publication have been ascertained in the context of this evaluation (PMID: 27502353). ClinVar contains an entry for this variant (Variation ID: 391688). Based on the evidence outlined above, the variant was classified as likely pathogenic.

Labcorp Genetics (formerly Invitae), Labcorp
Classification: Likely pathogenic for Developmental and epileptic encephalopathy, 1; Autosomal dominant nonsyndromic hearing loss 65. Last evaluated: 2023-06-10. Review status: criteria provided, single submitter. Criteria: Invitae Variant Classification Sherloc (09022015). Collection method: clinical testing. Allele origin: germline.
Comment: In summary, the currently available evidence indicates that the variant is pathogenic, but additional data are needed to prove that conclusively. Therefore, this variant has been classified as Likely Pathogenic. Advanced modeling of protein sequence and biophysical properties (such as structural, functional, and spatial information, amino acid conservation, physicochemical variation, residue mobility, and thermodynamic stability) performed at Invitae indicates that this missense variant is not expected to disrupt TBC1D24 protein function. ClinVar contains an entry for this variant (Variation ID: 391688). This missense change has been observed in individual(s) with autosomal recessive TBC1D24-related epilepsy (PMID: 27502353). In at least one individual the data is consistent with being in trans (on the opposite chromosome) from a pathogenic variant. This variant is not present in population databases (gnomAD no frequency). This sequence change replaces asparagine, which is neutral and polar, with lysine, which is basic and polar, at codon 107 of the TBC1D24 protein (p.Asn107Lys).

Literature cited by the submitters: PubMed 27502353 (cited by Women's Health and Genetics/Laboratory Corporation of America, LabCorp and Labcorp Genetics (formerly Invitae), Labcorp).

NM_001199107.2(TBC1D24):c.321T>A (p.Asn107Lys)

Gene: TBC1D24 (TBC1 domain family member 24; plus strand). Cytogenetic location: 16p13.3.
Variant type: single nucleotide variant.
Coding change: c.321T>A on transcript NM_001199107.2 (MANE Select); coding-DNA position 321, T replaced by A.
Protein change: p.Asn107Lys; replaces asparagine 107 with lysine.
Molecular consequence: missense variant.
Genome position (GRCh38, 1-based): chr16:2,496,469, T>A. VCF-style: chr16-2496469-T-A. GRCh37 (hg19) VCF-style: chr16-2546470-T-A.
Other names: c.321T>A, p.Asn107Lys (NM_020705.3); short protein forms N107K.
Identifiers: ClinVar variation 391688 (VCV000391688.16), dbSNP rs1057524192, ClinGen allele CA16608138.